The following is an entry in ClinVar:

NM_007194.4(CHEK2):c.320-3C>G

Gene: CHEK2 (checkpoint kinase 2; minus strand). Cytogenetic location: 22q12.1.
Variant type: single nucleotide variant.
Coding change: c.320-3C>G on transcript NM_007194.4 (MANE Select); 3 bases into the intron before coding-DNA position 320, C replaced by G.
Molecular consequence: intron variant.
Genome position (GRCh38, 1-based): chr22:28,725,370, G>C on the plus strand (C>G on the coding strand, the complement: CHEK2 is on the minus strand). VCF-style: chr22-28725370-G-C. GRCh37 (hg19) VCF-style: chr22-29121358-G-C.
Other names: c.-344-3C>G (NM_001437942.1); c.320-3C>G (NM_001349956.3, NM_145862.3); c.-458-3C>G (NM_001257387.3); c.413-3C>G (NM_001438295.1, NM_001438293.1); c.449-3C>G (NM_001438294.1, NM_001005735.3).
Identifiers: ClinVar variation 1388933 (VCV001388933.8), dbSNP rs863224749, ClinGen allele CA2573158063.

ClinVar aggregate classification (germline): Uncertain significance. Review status: criteria provided, multiple submitters, no conflicts (2 of 4 stars). 2 submissions from 2 submitters: Uncertain significance (2). Last evaluated 2025-05-01.

Conditions:
Hereditary cancer-predisposing syndrome. Also called: Neoplastic Syndromes, Hereditary; Tumor predisposition; Hereditary neoplastic syndrome; Hereditary Cancer Syndrome. Identifiers: Orphanet 140162, MedGen C0027672, MeSH D009386, MONDO:0015356.
Familial cancer of breast. Also called: BREAST CANCER, FAMILIAL; Hereditary breast cancer; hereditary breast carcinoma. Identifiers: Orphanet 227535, MedGen C0346153, MONDO:0016419, OMIM 114480. Disease mechanism: loss of function.

Submissions (2):

Ambry Genetics
Classification: Uncertain significance for Hereditary cancer-predisposing syndrome. Last evaluated: 2025-05-01. Review status: criteria provided, single submitter. Criteria: Ambry Variant Classification Scheme 2023. Collection method: clinical testing. Allele origin: germline.
Comment: The c.320-3C>G intronic variant results from a C to G substitution 3 nucleotides upstream from coding exon 2 in the CHEK2 gene. This nucleotide position is well conserved in available vertebrate species. In silico splice site analysis predicts that this alteration will weaken the native splice acceptor site and will result in the creation or strengthening of a novel splice acceptor site; however, direct evidence is insufficient at this time (Ambry internal data). Based on the available evidence, the clinical significance of this variant remains unclear.

Labcorp Genetics (formerly Invitae), Labcorp
Classification: Uncertain significance for Familial cancer of breast. Last evaluated: 2024-08-27. Review status: criteria provided, single submitter. Criteria: Invitae Variant Classification Sherloc (09022015). Collection method: clinical testing. Allele origin: germline.
Comment: This sequence change falls in intron 2 of the CHEK2 gene. It does not directly change the encoded amino acid sequence of the CHEK2 protein. It affects a nucleotide within the consensus splice site. This variant is not present in population databases (gnomAD no frequency). This variant has not been reported in the literature in individuals affected with CHEK2-related conditions. ClinVar contains an entry for this variant (Variation ID: 1388933). Variants that disrupt the consensus splice site are a relatively common cause of aberrant splicing (PMID: 17576681, 9536098). Algorithms developed to predict the effect of sequence changes on RNA splicing suggest that this variant may disrupt the consensus splice site. In summary, the available evidence is currently insufficient to determine the role of this variant in disease. Therefore, it has been classified as a Variant of Uncertain Significance.

Literature cited by the submitters: PubMed 17576681 (cited by Labcorp Genetics (formerly Invitae), Labcorp); PubMed 9536098 (cited by Labcorp Genetics (formerly Invitae), Labcorp).